The following is an entry in ClinVar:

NM_018699.4(PRDM5):c.513A>C (p.Gln171His)

Gene: PRDM5 (PR/SET domain 5; minus strand). Cytogenetic location: 4q27.
Variant type: single nucleotide variant.
Coding change: c.513A>C on transcript NM_018699.4 (MANE Select); coding-DNA position 513, A replaced by C.
Protein change: p.Gln171His; replaces glutamine 171 with histidine.
Molecular consequence: missense variant.
Genome position (GRCh38, 1-based): chr4:120,818,490, T>G on the plus strand (A>C on the coding strand, the complement: PRDM5 is on the minus strand). VCF-style: chr4-120818490-T-G. GRCh37 (hg19) VCF-style: chr4-121739645-T-G.
Other names: c.513A>C, p.Gln171His (NM_001300823.2, NM_001300824.2, NM_001379104.1 and 1 more transcripts); short protein forms Q171H.
Identifiers: ClinVar variation 3424731 (VCV003424731.1).

ClinVar aggregate classification (germline): Uncertain significance (1 of 4 stars; one submission).

Conditions:
Cardiovascular phenotype. Identifiers: MedGen CN230736.

Submission:

Ambry Genetics
Classification: Uncertain significance for Cardiovascular phenotype. Last evaluated: 2024-11-05. Review status: criteria provided, single submitter. Criteria: Ambry Variant Classification Scheme 2023. Collection method: clinical testing. Allele origin: germline.
Comment: The p.Q171H variant (also known as c.513A>C), located in coding exon 5 of the PRDM5 gene, results from an A to C substitution at nucleotide position 513. The glutamine at codon 171 is replaced by histidine, an amino acid with highly similar properties. This amino acid position is conserved. In addition, this alteration is predicted to be tolerated by in silico analysis. Based on the available evidence, the clinical significance of this variant remains unclear.